The following is an entry in ClinVar:

NC_000004.11:g.(?_25146376)_(25146775_?)del

Gene: SEPSECS (Sep (O-phosphoserine) tRNA:Sec (selenocysteine) tRNA synthase; minus strand). Cytogenetic location: 4p15.2.
Variant type: Deletion.
Identifiers: ClinVar variation 3246750 (VCV003246750.1).

ClinVar aggregate classification (germline): Pathogenic (1 of 4 stars; one submission).

Submission:

Labcorp Genetics (formerly Invitae), Labcorp
Classification: Pathogenic. Last evaluated: 2024-01-11. Review status: criteria provided, single submitter. Criteria: Invitae Variant Classification Sherloc (09022015). Collection method: clinical testing. Allele origin: unknown.
Comment: This variant is a gross deletion of the genomic region encompassing exon(s) 7-8 of the SEPSECS gene. This variant would be expected to be in-frame, preserving the integrity of the reading frame. This variant has not been reported in the literature in individuals affected with SEPSECS-related conditions. This variant disrupts a region of the SEPSECS protein in which other variant(s) (p.Tyr334Cys) have been determined to be pathogenic (PMID: 20920667, 26805434, 27576344). This suggests that this is a clinically significant region of the protein, and that variants that disrupt it are likely to be disease-causing. For these reasons, this variant has been classified as Pathogenic.

Literature cited by the submitters: PubMed 20920667; PubMed 26805434; PubMed 27576344.